The following is an entry in ClinVar:

ClinVar aggregate classification (germline): Pathogenic (1 of 4 stars; one submission).

Conditions:
Primary ciliary dyskinesia. Also called: Ciliary dyskinesia. Identifiers: Orphanet 244, MedGen C0008780, MONDO:0016575, HP:0012265.

Submission:

Labcorp Genetics (formerly Invitae), Labcorp
Classification: Pathogenic for Primary ciliary dyskinesia. Last evaluated: 2025-01-26. Review status: criteria provided, single submitter. Criteria: Invitae Variant Classification Sherloc (09022015). Collection method: clinical testing. Allele origin: germline.
Comment: This sequence change creates a premature translational stop signal (p.Arg3062Glyfs*14) in the DNAH5 gene. It is expected to result in an absent or disrupted protein product. Loss-of-function variants in DNAH5 are known to be pathogenic (PMID: 11788826, 16627867). This variant is not present in population databases (gnomAD no frequency). This variant has not been reported in the literature in individuals affected with DNAH5-related conditions. For these reasons, this variant has been classified as Pathogenic.

Literature cited by the submitters: PubMed 11788826; PubMed 16627867.

NM_001369.3(DNAH5):c.9183del (p.Arg3062fs)

Gene: DNAH5 (dynein axonemal heavy chain 5; minus strand). Cytogenetic location: 5p15.2.
Variant type: Deletion.
Coding change: c.9183del on transcript NM_001369.3 (MANE Select); coding-DNA position 9183, one base deleted (C; older notation c.9183delC).
Protein change: p.Arg3062fs; shifts the reading frame from arginine 3062.
Molecular consequence: frameshift variant.
Genome position (GRCh38, 1-based): chr5:13,776,629, G deleted on the plus strand (C on the coding strand, the reverse complement: DNAH5 is on the minus strand); the first of 4 consecutive G bases (chr5:13,776,629-13,776,632); deleting any one gives the same sequence. VCF-style (leftmost placement, unchanged base first): chr5-13776628-TG-T. GRCh37 (hg19) VCF-style: chr5-13776737-TG-T.
Other names: short protein forms R3062fs.
Identifiers: ClinVar variation 3701000 (VCV003701000.2).